The following is an entry in ClinVar:

NM_015702.3(MMADHC):c.563_566del (p.Val188fs)

Gene: MMADHC (metabolism of cobalamin associated D; minus strand). Cytogenetic location: 2q23.2.
Variant type: Deletion.
Coding change: c.563_566del on transcript NM_015702.3 (MANE Select); coding-DNA positions 563 to 566, 4 bases deleted (TTTG; older notation c.563_566delTTTG).
Protein change: p.Val188fs; shifts the reading frame from valine 188.
Molecular consequence: frameshift variant.
Genome position (GRCh38, 1-based): chr2:149,575,754-149,575,757, CAAA deleted on the plus strand (TTTG on the coding strand, the reverse complement: MMADHC is on the minus strand); deleting any 4 consecutive bases within chr2:149,575,754-149,575,759 gives the same sequence; the c. name uses the placement nearest the transcript's 3' end. VCF-style (leftmost placement, unchanged base first): chr2-149575753-CCAAA-C. GRCh37 (hg19) VCF-style: chr2-150432267-CCAAA-C.
Other names: c.563_566del (NM_015702.2); short protein forms V188fs.
Identifiers: ClinVar variation 2676638 (VCV002676638.2), dbSNP rs2467640491, ClinGen allele CA2577116941.
Genomic context (GRCh38, chr2:149,575,753, plus strand): 5'-AGCAATTGAAAGAATTACCTTTTCTAAGAGCACTTCTCTTTCAATTTCTACTTCTTCACT[CCAAA>C]CAGTCATATCATTCTTAGTTTTTTGTGTTACAGTCAGAATCATTAGTTTGCCATTAGCTA-3'

ClinVar aggregate classification (germline): Likely pathogenic. Review status: criteria provided, multiple submitters, no conflicts (2 of 4 stars). 2 submissions from 2 submitters: Likely pathogenic (2). Last evaluated 2025-07-31.

Conditions:
Methylmalonic aciduria and homocystinuria type cblD (MAHCD). Also called: Methylmalonic aciduria with homocystinuria cblD type; METHYLMALONIC ACIDEMIA, cblH TYPE. Identifiers: Orphanet 622, Orphanet 79283, MedGen C1848552, MONDO:0010185, OMIM 277410.

Submissions (2):

Natera, Inc.
Classification: Likely pathogenic for Methylmalonic aciduria with homocystinuria cblD type. Last evaluated: 2025-07-31. Review status: criteria provided, single submitter. Criteria: Natera Variant Classification Schema (03/2026). Collection method: clinical testing. Allele origin: germline.
Comment: The c.563_566del variant in MMADHC is a frameshift variant predicted to shift the reading frame beginning at codon 188 and leads to a stop codon 5 codons downstream. This variant is expected to result in nonsense mediated decay, truncation, or a dysfunctional protein product. This variant is rare in the general population with a frequency below the threshold expected for the associated phenotype(s). Given the available evidence, this variant is classified as Likely Pathogenic.

Baylor Genetics
Classification: Likely pathogenic for Methylmalonic aciduria and homocystinuria type cblD. Last evaluated: 2023-05-23. Review status: criteria provided, single submitter. Criteria: ACMG Guidelines, 2015. Collection method: clinical testing. Allele origin: unknown.